The following is an entry in ClinVar:

ClinVar aggregate classification (germline): Uncertain significance (0 of 4 stars; one submission).

Conditions:
CTRC-related disorder. Also called: CTRC-related condition.

Submission:

PreventionGenetics, part of Exact Sciences
Classification: Uncertain significance for CTRC-related condition. Last evaluated: 2024-02-12. Review status: no assertion criteria provided. Collection method: clinical testing. Allele origin: germline.
Comment: The CTRC c.324C>G variant is predicted to result in the amino acid substitution p.His108Gln. To our knowledge, this variant has not been reported in the literature or in a large population database, indicating this variant is rare. At this time, the clinical significance of this variant is uncertain due to the absence of conclusive functional and genetic evidence.

NM_007272.3(CTRC):c.324C>G (p.His108Gln)

Gene: CTRC (chymotrypsin C; plus strand). Cytogenetic location: 1p36.21.
Variant type: single nucleotide variant.
Coding change: c.324C>G on transcript NM_007272.3 (MANE Select); coding-DNA position 324, C replaced by G.
Protein change: p.His108Gln; replaces histidine 108 with glutamine.
Molecular consequence: missense variant.
Genome position (GRCh38, 1-based): chr1:15,442,540, C>G. VCF-style: chr1-15442540-C-G. GRCh37 (hg19) VCF-style: chr1-15769036-C-G.
Other names: short protein forms H108Q.
Identifiers: ClinVar variation 3061404 (VCV003061404.2), dbSNP rs770471626, ClinGen allele CA338565601.